The following is an entry in ClinVar:

ClinVar aggregate classification (germline): Pathogenic (1 of 4 stars; one submission).

Conditions:
X-linked Alport syndrome (ATS1). Also called: COL4A5-Related Nephropathy; NEPHROPATHY AND DEAFNESS, X-LINKED. Identifiers: Orphanet 63, Orphanet 88917, MedGen C4746986, MONDO:0010520, OMIM 301050.

Submission:

MVZ Medizinische Genetik Mainz
Classification: Pathogenic for X-linked Alport syndrome. Last evaluated: 2023-11-22. Review status: criteria provided, single submitter. Criteria: UK Practice Guidelines For Variant Classification V4 01 2020. Collection method: clinical testing. Allele origin: germline. Inheritance: X-linked dominant inheritance. Affected: yes. Observed: 1 variant allele.
Comment: ACMG Criteria: PVS1,PM2_SUP,PP4

NM_033380.3(COL4A5):c.3453dup (p.Gly1152fs)

Gene: COL4A5 (collagen type IV alpha 5 chain; plus strand). Cytogenetic location: Xq22.3.
Variant type: Duplication.
Coding change: c.3453dup on transcript NM_033380.3 (MANE Select); coding-DNA position 3453, one base duplicated (A; older notation c.3453dupA).
Protein change: p.Gly1152fs; shifts the reading frame from glycine 1152.
Molecular consequence: frameshift variant.
Genome position (GRCh38, 1-based): chrX:108,665,586, A duplicated. VCF-style (leftmost placement, unchanged base first): chrX-108665585-T-TA. GRCh37 (hg19) VCF-style: chrX-107908815-T-TA.
Other names: c.3453dup, p.Gly1152fs (NM_000495.5); short protein forms G1152fs.
Identifiers: ClinVar variation 3236114 (VCV003236114.1), dbSNP rs2524562788, ClinGen allele CA2825002922.
Genomic context (GRCh38, chrX:108,665,585, plus strand): 5'-GACCAAAAGGTATTAGTGGCCCTCCTGGGAACCCCGGCCTTCCAGGAGAACCTGGTCCTG[T>TA]AGGTAAGCATGAAAAATAACAGTTTGCTGTTTTATAAAACTAATGTTTATCATATTAAGT-3'